The following is an entry in ClinVar:

ClinVar aggregate classification (germline): Uncertain significance (1 of 4 stars; one submission).

Conditions:
Susceptibility to respiratory infections associated with CD8alpha chain mutation (IMD116). Also called: Cd8 deficiency, familial; IMMUNODEFICIENCY 116. Identifiers: Orphanet 169085, MedGen C1837065, MONDO:0012161, OMIM 608957.

Allele frequency attached by ClinVar (database versions not stated): gnomAD 0.00001 and 0.00004; gnomAD exomes 0.00002; TOPMed 0.00002; ExAC 0.00018; 1000 Genomes Project 30x 0.00047; 1000 Genomes Project 0.00060.
gnomAD v4.1: 30 of 1,360,238 alleles (0.0022%); highest among the groups gnomAD compares: East Asian, 0.068%; no homozygotes.

Submission:

Labcorp Genetics (formerly Invitae), Labcorp
Classification: Uncertain significance for Susceptibility to respiratory infections associated with CD8alpha chain mutation. Last evaluated: 2021-08-31. Review status: criteria provided, single submitter. Criteria: Invitae Variant Classification Sherloc (09022015). Collection method: clinical testing. Allele origin: germline.
Comment: This sequence change replaces proline with leucine at codon 137 of the CD8A protein (p.Pro137Leu). The proline residue is moderately conserved and there is a moderate physicochemical difference between proline and leucine. While this variant is present in population databases (rs529906517), the frequency information is unreliable, as metrics indicate poor data quality at this position in the ExAC database. This variant has not been reported in the literature in individuals affected with CD8A-related conditions. Algorithms developed to predict the effect of missense changes on protein structure and function are either unavailable or do not agree on the potential impact of this missense change (SIFT: "Deleterious"; PolyPhen-2: "Probably Damaging"; Align-GVGD: "Class C0"). In summary, the available evidence is currently insufficient to determine the role of this variant in disease. Therefore, it has been classified as a Variant of Uncertain Significance.

NM_001768.7(CD8A):c.410C>T (p.Pro137Leu)

Gene: CD8A (CD8 subunit alpha; minus strand). Cytogenetic location: 2p11.2.
Variant type: single nucleotide variant.
Coding change: c.410C>T on transcript NM_001768.7 (MANE Select); coding-DNA position 410, C replaced by T.
Protein change: p.Pro137Leu; replaces proline 137 with leucine.
Molecular consequence: missense variant. On other transcripts: non-coding transcript variant (3).
Genome position (GRCh38, 1-based): chr2:86,789,744, G>A on the plus strand (C>T on the coding strand, the complement: CD8A is on the minus strand). VCF-style: chr2-86789744-G-A. GRCh37 (hg19) VCF-style: chr2-87016867-G-A.
Other names: c.410C>T, p.Pro137Leu (NM_001145873.1, NM_001382698.1, NM_171827.4); short protein forms P137L.
Identifiers: ClinVar variation 652854 (VCV000652854.8), dbSNP rs529906517, ClinGen allele CA1751185.